The following is an entry in ClinVar:

NM_004415.4(DSP):c.8606T>C (p.Ile2869Thr)

Gene: DSP (desmoplakin; plus strand). Cytogenetic location: 6p24.3.
Variant type: single nucleotide variant.
Coding change: c.8606T>C on transcript NM_004415.4 (MANE Select); coding-DNA position 8606, T replaced by C.
Protein change: p.Ile2869Thr; replaces isoleucine 2869 with threonine.
Molecular consequence: missense variant.
Genome position (GRCh38, 1-based): chr6:7,585,868, T>C. VCF-style: chr6-7585868-T-C. GRCh37 (hg19) VCF-style: chr6-7586101-T-C.
Other names: c.6809T>C, p.Ile2270Thr (NM_001008844.3); c.7277T>C, p.Ile2426Thr (NM_001319034.2); short protein forms I2270T, I2426T, I2869T.
Identifiers: ClinVar variation 1678353 (VCV001678353.4), dbSNP rs1759656543, ClinGen allele CA362695482.

ClinVar aggregate classification (germline): Uncertain significance. Review status: criteria provided, multiple submitters, no conflicts (2 of 4 stars). 2 submissions from 2 submitters: Uncertain significance (2). Last evaluated 2023-06-02.

Conditions:
Arrhythmogenic cardiomyopathy with wooly hair and keratoderma. Also called: Dilated cardiomyopathy with woolly hair and keratoderma; PALMOPLANTAR KERATODERMA WITH LEFT VENTRICULAR CARDIOMYOPATHY AND WOOLLY HAIR; Arrhythmogenic cardiomyopathy with woolly hair and keratoderma; Carvajal syndrome. Identifiers: Orphanet 65282, MedGen C1854063, MONDO:0011581, OMIM 605676.
Arrhythmogenic right ventricular dysplasia 8 (ARVD8). Also called: Arrhythmogenic Right Ventricular Dysplasia/Cardiomyopathy 8; ARRHYTHMOGENIC RIGHT VENTRICULAR CARDIOMYOPATHY 8; ARRHYTHMOGENIC RIGHT VENTRICULAR DYSPLASIA, FAMILIAL, 8. Identifiers: MedGen C1843896, MONDO:0011831, OMIM 607450.

Allele frequency attached by ClinVar (database versions not stated): gnomAD exomes below 0.00001; gnomAD 0.00001.
gnomAD v4.1: 3 of 1,613,892 alleles (0.00019%); highest among the groups gnomAD compares: African/African-American, 0.0013%; no homozygotes.

Submissions (2):

Labcorp Genetics (formerly Invitae), Labcorp
Classification: Uncertain significance for Arrhythmogenic cardiomyopathy with wooly hair and keratoderma; Arrhythmogenic right ventricular dysplasia 8. Last evaluated: 2023-06-02. Review status: criteria provided, single submitter. Criteria: Invitae Variant Classification Sherloc (09022015). Collection method: clinical testing. Allele origin: germline.
Comment: In summary, the available evidence is currently insufficient to determine the role of this variant in disease. Therefore, it has been classified as a Variant of Uncertain Significance. An algorithm developed to predict the effect of missense changes on protein structure and function (PolyPhen-2) suggests that this variant is likely to be tolerated. ClinVar contains an entry for this variant (Variation ID: 1678353). This variant has not been reported in the literature in individuals affected with DSP-related conditions. This variant is not present in population databases (gnomAD no frequency). This sequence change replaces isoleucine, which is neutral and non-polar, with threonine, which is neutral and polar, at codon 2869 of the DSP protein (p.Ile2869Thr).

AiLife Diagnostics
Classification: Uncertain significance. Last evaluated: 2021-02-21. Review status: criteria provided, single submitter. Criteria: ACMG Guidelines, 2015. Collection method: clinical testing. Allele origin: germline. Affected: yes. Observed: 1 variant allele.